The following is an entry in ClinVar:

NM_000277.3(PAH):c.679C>G (p.Leu227Val)

Gene: PAH (phenylalanine hydroxylase; minus strand). Cytogenetic location: 12q23.2.
Variant type: single nucleotide variant.
Coding change: c.679C>G on transcript NM_000277.3 (MANE Select); coding-DNA position 679, C replaced by G.
Protein change: p.Leu227Val; replaces leucine 227 with valine.
Molecular consequence: missense variant.
Genome position (GRCh38, 1-based): chr12:102,855,163, G>C on the plus strand (C>G on the coding strand, the complement: PAH is on the minus strand). VCF-style: chr12-102855163-G-C. GRCh37 (hg19) VCF-style: chr12-103248941-G-C.
Other names: c.679C>G, p.Leu227Val (NM_001354304.2); short protein forms L227V.
Identifiers: ClinVar variation 1065379 (VCV001065379.1), dbSNP rs2136649242, ClinGen allele CA386296582.

ClinVar aggregate classification (germline): Likely pathogenic (3 of 4 stars; one submission).

Conditions:
Phenylketonuria (PKU). Also called: Phenylketonurias; Phenylketonuria (PKU); OLIGOPHRENIA PHENYLPYRUVICA; FOLLING DISEASE. Identifiers: Orphanet 716, MedGen C0031485, MONDO:0009861, OMIM 261600. Disease mechanism: loss of function.

Submission:

ClinGen PAH Variant Curation Expert Panel
Classification: Likely pathogenic for Phenylketonuria. Last evaluated: 2020-12-09. Review status: reviewed by expert panel. Criteria: ClinGen PAH ACMG Specifications v1. Collection method: curation. Allele origin: germline. Inheritance: Autosomal recessive inheritance.
Comment: This c.679C>G (p.Leu227Val) variant in PAH was reported in trans with pathogenic variant p.Arg243Gln in 1 patient with PAH deficiency (1134Î¼mol/L Phe) (PMID: 28982351). Computational evidence for this missense variant is predicted to be damaging (SIFT), probably damaging (PolyPhen2), and disease causing (MutationTaster). This variant is absent from population databases gnomAD, 1000 Genomes, and ESP. In summary, this variant meets criteria to be classified as likely pathogenic for PAH. PAH-specific ACMG/AMP criteria applied: PM2, PP3, PM3, PP4.